The following is an entry in ClinVar:

ClinVar aggregate classification (germline): Likely benign. Review status: criteria provided, multiple submitters, no conflicts (2 of 4 stars). 3 submissions from 3 submitters: Likely benign (3). Last evaluated 2026-05-13.

Conditions:
LRP5-related disorder. Also called: LRP5-related condition.

Allele frequency attached by ClinVar (database versions not stated): gnomAD 0.00001 and 0.00002; TOPMed 0.00004; gnomAD exomes 0.00005; ExAC 0.00008.
gnomAD v4.1: 66 of 1,612,696 alleles (0.0041%); highest among the groups gnomAD compares: East Asian, 0.11%; no homozygotes.

Submissions (3):

PreventionGenetics, part of Exact Sciences
Classification: Likely benign for LRP5-related condition. Last evaluated: 2026-05-13. Review status: criteria provided, single submitter. Criteria: ACMG Guidelines, 2015. Collection method: clinical testing. Allele origin: germline.
Comment: This variant is classified as likely benign based on ACMG/AMP sequence variant interpretation guidelines (Richards et al. 2015 PMID: 25741868, with internal and published modifications).

Labcorp Genetics (formerly Invitae), Labcorp
Classification: Likely benign. Last evaluated: 2025-10-29. Review status: criteria provided, single submitter. Criteria: Invitae Variant Classification Sherloc (09022015). Collection method: clinical testing. Allele origin: germline.

Blueprint Genetics
Classification: Likely benign. Last evaluated: 2021-12-11. Review status: criteria provided, single submitter. Criteria: ACMG Guidelines, 2015. Collection method: clinical testing. Allele origin: germline.

NM_002335.4(LRP5):c.4650C>T (p.Ser1550=)

Gene: LRP5 (LDL receptor related protein 5; plus strand). Cytogenetic location: 11q13.2.
Variant type: single nucleotide variant.
Coding change: c.4650C>T on transcript NM_002335.4 (MANE Select); coding-DNA position 4650, C replaced by T.
Protein change: p.Ser1550=; no amino-acid change (serine 1550 retained).
Molecular consequence: synonymous variant.
Genome position (GRCh38, 1-based): chr11:68,448,872, C>T. VCF-style: chr11-68448872-C-T. GRCh37 (hg19) VCF-style: chr11-68216340-C-T.
Other names: c.2907C>T, p.Ser969= (NM_001291902.2); c.4650C>T (NM_002335.3).
Identifiers: ClinVar variation 1089285 (VCV001089285.12), dbSNP rs776879888, ClinGen allele CA6150476.
Genomic context (GRCh38, chr11:68,448,872, plus strand): 5'-CTACATCATTCGAGGAATGGCGCCCCCGACGACGCCCTGCAGCACCGACGTGTGTGACAG[C>T]GACTACAGCGCCAGCCGCTGGAAGGCCAGCAAGTACTACCTGGATTTGAACTCGGACTCA-3'
Protein context (NP_002326.2, residues 1540-1560): TTPCSTDVCD[Ser1550=]DYSASRWKAS